The following is an entry in ClinVar:

ClinVar aggregate classification (germline): Pathogenic. Review status: criteria provided, multiple submitters, no conflicts (2 of 4 stars). 4 submissions from 4 submitters: Pathogenic (4). Last evaluated 2025-04-27.

Conditions:
Chédiak-Higashi syndrome (CHS). Also called: Chediak-Higashi Syndrome. Identifiers: Orphanet 167, MedGen C0007965, MONDO:0008963, OMIM 214500.

Allele frequency attached by ClinVar (database versions not stated): ExAC 0.00001; TOPMed 0.00001.
gnomAD v4.1: 6 of 1,612,538 alleles (0.00037%); highest among the groups gnomAD compares: Admixed American, 0.0084%; no homozygotes.

Submissions (4):

GeneDx
Classification: Pathogenic. Last evaluated: 2025-04-27. Review status: criteria provided, single submitter. Criteria: GeneDx Variant Classification Process June 2021. Collection method: clinical testing. Allele origin: germline. Affected: yes.
Comment: Nonsense variant predicted to result in protein truncation or nonsense mediated decay in a gene for which loss of function is a known mechanism of disease; Not observed at significant frequency in large population cohorts (gnomAD); This variant is associated with the following publications: (PMID: 25312756)

Revvity Omics, Revvity
Classification: Pathogenic for Chédiak-Higashi syndrome. Last evaluated: 2024-06-20. Review status: criteria provided, single submitter. Criteria: ACMG Guidelines, 2015. Collection method: clinical testing. Allele origin: germline.

Fulgent Genetics
Classification: Pathogenic for Chédiak-Higashi syndrome. Last evaluated: 2024-03-14. Review status: criteria provided, single submitter. Criteria: ACMG Guidelines, 2015. Collection method: clinical testing. Allele origin: germline.

Labcorp Genetics (formerly Invitae), Labcorp
Classification: Pathogenic for Chédiak-Higashi syndrome. Last evaluated: 2024-02-12. Review status: criteria provided, single submitter. Criteria: Invitae Variant Classification Sherloc (09022015). Collection method: clinical testing. Allele origin: germline.
Comment: This sequence change creates a premature translational stop signal (p.Lys633*) in the LYST gene. It is expected to result in an absent or disrupted protein product. Loss-of-function variants in LYST are known to be pathogenic (PMID: 9215679, 11857544). This variant is present in population databases (rs747022808, gnomAD 0.01%). This premature translational stop signal has been observed in individual(s) with Chediak-Higashi syndrome (PMID: 25312756). ClinVar contains an entry for this variant (Variation ID: 1323257). For these reasons, this variant has been classified as Pathogenic.

Literature cited by the submitters: PubMed 9215679 (cited by Labcorp Genetics (formerly Invitae), Labcorp); PubMed 11857544 (cited by Labcorp Genetics (formerly Invitae), Labcorp); PubMed 25312756 (cited by Labcorp Genetics (formerly Invitae), Labcorp).

NM_000081.4(LYST):c.1897A>T (p.Lys633Ter)

Gene: LYST (lysosomal trafficking regulator; minus strand). Cytogenetic location: 1q42.3.
Variant type: single nucleotide variant.
Coding change: c.1897A>T on transcript NM_000081.4 (MANE Select); coding-DNA position 1897, A replaced by T.
Protein change: p.Lys633Ter; replaces lysine 633 with a stop codon.
Molecular consequence: nonsense.
Genome position (GRCh38, 1-based): chr1:235,808,921, T>A on the plus strand (A>T on the coding strand, the complement: LYST is on the minus strand). VCF-style: chr1-235808921-T-A. GRCh37 (hg19) VCF-style: chr1-235972221-T-A.
Other names: c.1897A>T (NM_000081.2); c.1897A>T, p.Lys633Ter (NM_001301365.1); short protein forms K633*.
Identifiers: ClinVar variation 1323257 (VCV001323257.13), dbSNP rs747022808, ClinGen allele CA1467385.
Genomic context (GRCh38, chr1:235,808,921, plus strand): 5'-TCTCTTCTAATTGGGCTAGTTGGTCAGAGTCAACAGTACAAATATTACAAGCTGCTTTTT[T>A]AATTTTTGGTGATATCTCTGCTCCTCCTAACTGATCCAAAATAAGTTTGTTAAGGATATT-3'